The following is an entry in ClinVar:

ClinVar aggregate classification (germline): Uncertain significance (1 of 4 stars; one submission).

Conditions:
Familial thoracic aortic aneurysm and aortic dissection (TAAD). Also called: Thoracic aortic aneurysms and dissections. Identifiers: Orphanet 91387, MedGen C4707243, MONDO:0019625.

Submission:

Ambry Genetics
Classification: Uncertain significance for Familial thoracic aortic aneurysm and aortic dissection. Last evaluated: 2024-02-04. Review status: criteria provided, single submitter. Criteria: Ambry Variant Classification Scheme 2023. Collection method: clinical testing. Allele origin: germline.
Comment: The p.A1741T variant (also known as c.5221G>A), located in coding exon 28 of the MYLK gene, results from a G to A substitution at nucleotide position 5221. The alanine at codon 1741 is replaced by threonine, an amino acid with similar properties. This amino acid position is conserved. In addition, this alteration is predicted to be tolerated by in silico analysis. Based on the available evidence, the clinical significance of this alteration remains unclear.

NM_053025.4(MYLK):c.5221G>A (p.Ala1741Thr)

Genes: MYLK (myosin light chain kinase; minus strand), MYLK-AS1 (MYLK antisense RNA 1; plus strand). Cytogenetic location: 3q21.1.
Variant type: single nucleotide variant.
Coding change: c.5221G>A on transcript NM_053025.4 (MANE Select); coding-DNA position 5221, G replaced by A.
Protein change: p.Ala1741Thr; replaces alanine 1741 with threonine.
Molecular consequence: missense variant.
Genome position (GRCh38, 1-based): chr3:123,626,835, C>T on the plus strand (G>A on the coding strand, the complement: MYLK is on the minus strand). VCF-style: chr3-123626835-C-T. GRCh37 (hg19) VCF-style: chr3-123345682-C-T.
Other names: c.4693G>A, p.Ala1565Thr (NM_001321309.2); c.5014G>A, p.Ala1672Thr (NM_053026.4); c.5068G>A, p.Ala1690Thr (NM_053027.4); c.4861G>A, p.Ala1621Thr (NM_053028.4); short protein forms A1565T, A1621T, A1672T, A1690T, A1741T.
Identifiers: ClinVar variation 3228925 (VCV003228925.1), dbSNP rs2473006206, ClinGen allele CA354232823.